The following is an entry in ClinVar:

NM_001148.6(ANK2):c.7149G>A (p.Pro2383=)

Genes: ANK2 (ankyrin 2; plus strand), LOC126807137 (CDK7 strongly-dependent group 2 enhancer GRCh37_chr4:114276560-114277759; plus strand). Cytogenetic location: 4q26.
Variant type: single nucleotide variant.
Coding change: c.7149G>A on transcript NM_001148.6 (MANE Select); coding-DNA position 7149, G replaced by A.
Protein change: p.Pro2383=; no amino-acid change (proline 2383 retained).
Molecular consequence: synonymous variant. On other transcripts: intron variant (68).
Genome position (GRCh38, 1-based): chr4:113,355,767, G>A. VCF-style: chr4-113355767-G-A. GRCh37 (hg19) VCF-style: chr4-114276923-G-A.
Other names: c.6915G>A, p.Pro2305= (NM_001386142.1); c.3549G>A, p.Pro1183= (NM_001386166.1); c.7290G>A, p.Pro2430= (NM_001386174.1); c.7266G>A, p.Pro2422= (NM_001386175.1); c.4412-5056G>A (NM_001386186.2, NM_001386148.2); c.4214-5056G>A (NM_001354269.3); c.4292-5056G>A (NM_001386187.2); c.4253-5056G>A (NM_001386147.1); and 35 more.
Identifiers: ClinVar variation 457048 (VCV000457048.17), dbSNP rs200877971, ClinGen allele CA3051544.

ClinVar aggregate classification (germline): Likely benign. Review status: criteria provided, multiple submitters, no conflicts (2 of 4 stars). 4 submissions from 4 submitters: Likely benign (4). Last evaluated 2026-02-01.

Conditions:
Long QT syndrome (LQTS). Identifiers: MedGen C0023976, MeSH D008133, MONDO:0002442. Disease mechanism: loss of function. Inheritance: Various modes of inheritance.
Cardiovascular phenotype. Identifiers: MedGen CN230736.
Cardiac arrhythmia, ankyrin-B-related. Also called: ANKYRIN-B SYNDROME. Identifiers: Orphanet 101016, Orphanet 768, MedGen C1970119, MONDO:0010958, OMIM 600919.

Allele frequency attached by ClinVar (database versions not stated): ExAC 0.00002; TOPMed 0.00002; gnomAD 0.00003 and 0.00004; gnomAD exomes 0.00003.
gnomAD v4.1: 46 of 1,613,976 alleles (0.0029%); highest among the groups gnomAD compares: Middle Eastern, 0.016%; no homozygotes.

Submissions (4):

CeGaT Center for Human Genetics Tuebingen
Classification: Likely benign. Last evaluated: 2026-02-01. Review status: criteria provided, single submitter. Criteria: CeGaT Center For Human Genetics Tuebingen Variant Classification Criteria Version 2. Collection method: clinical testing. Allele origin: germline. Affected: yes. Observed: 1 variant allele.
Comment: ANK2: BP4, BP7

Labcorp Genetics (formerly Invitae), Labcorp
Classification: Likely benign for Long QT syndrome. Last evaluated: 2025-12-16. Review status: criteria provided, single submitter. Criteria: Invitae Variant Classification Sherloc (09022015). Collection method: clinical testing. Allele origin: germline.

Ambry Genetics
Classification: Likely benign for Cardiovascular phenotype. Last evaluated: 2023-05-22. Review status: criteria provided, single submitter. Criteria: Ambry Variant Classification Scheme 2023. Collection method: clinical testing. Allele origin: germline.

Fulgent Genetics
Classification: Likely benign for Cardiac arrhythmia, ankyrin-B-related. Last evaluated: 2021-08-26. Review status: criteria provided, single submitter. Criteria: ACMG Guidelines, 2015. Collection method: clinical testing. Allele origin: unknown.